The following is an entry in ClinVar:

ClinVar aggregate classification (germline): Likely pathogenic. Review status: criteria provided, multiple submitters, no conflicts (2 of 4 stars). 3 submissions from 3 submitters: Likely pathogenic (3). Last evaluated 2026-04-14.

Conditions:
Progressive familial intrahepatic cholestasis type 2. Identifiers: Orphanet 79304, MedGen C3489789, MONDO:0011156, OMIM 601847.
Familial intrahepatic cholestasis. Identifiers: Orphanet 284385, MedGen CN296401, MONDO:0017290.

gnomAD v4.1: 3 of 1,613,626 alleles (0.00019%); highest among the groups gnomAD compares: Non-Finnish European, 0.00017%; no homozygotes.

Submissions (3):

Genomenon, Inc
Classification: Likely pathogenic for Familial intrahepatic cholestasis. Last evaluated: 2026-04-14. Review status: criteria provided, single submitter. Criteria: Genomenon Sequence Variant Interpretation Standards - Updated. Collection method: curation. Allele origin: germline. Affected: yes.
Comment: ABCB11 p.Gly1032Arg (c.3094G>C) is a missense variant that changes the amino acid at residue 1032 from Glycine to Arginine. This variant has been observed in at least one proband with an ABCB11-related disorder (PMID:28839429). It has been observed in trans with a pathogenic or likely pathogenic variant (PMID:28839429). At least one functional study has demonstrated a substantial alteration in protein function relative to the wild-type (PMID:28839429). It is absent or not present at a significant frequency in gnomAD. In silico models predict that this variant is possibly or probably damaging. In conclusion, we classify ABCB11 p.Gly1032Arg (c.3094G>C) as a likely pathogenic variant.

Broad Center for Mendelian Genomics, Broad Institute of MIT and Harvard
Classification: Likely pathogenic for Progressive familial intrahepatic cholestasis type 2. Last evaluated: 2025-01-23. Review status: criteria provided, single submitter. Criteria: ACMG Guidelines, 2015. Collection method: curation. Allele origin: germline. Inheritance: Autosomal recessive inheritance.
Comment: The p.Gly1032Arg variant in ABCB11 has been reported, in the compound heterozygous state, in 1 individual with BSEP deficiency (PMID: 28839429; Variation ID: 1410817), and has been identified in 0.0002% (2/1179760) of European (non-Finnish) chromosomes by the Genome Aggregation Database (gnomAD). Although this variant has been seen in the general population in a heterozygous state, its frequency is low enough to be consistent with a recessive carrier frequency. This variant has also been reported in ClinVar (Variation ID: 1498315) and has been interpreted as likely pathogenic by Invitae. In vitro functional studies provide some evidence that the p.Gly1032Arg variant may slightly impact protein function (PMID: 28839429). However, these types of assays may not accurately represent biological function. Computational prediction tools and conservation analyses suggest that this variant may impact the protein, though this information is not predictive enough to determine pathogenicity. In summary, although additional studies are required to fully establish its clinical significance, this variant is likely pathogenic for autosomal recessive BSEP deficiency. ACMGAMP Criteria applied: PP3_moderate, PM2_supporting, PM3, PS3_supporting (Richards 2015).

Labcorp Genetics (formerly Invitae), Labcorp
Classification: Likely pathogenic. Last evaluated: 2022-09-17. Review status: criteria provided, single submitter. Criteria: Invitae Variant Classification Sherloc (09022015). Collection method: clinical testing. Allele origin: germline.
Comment: ClinVar contains an entry for this variant (Variation ID: 1498315). In summary, the currently available evidence indicates that the variant is pathogenic, but additional data are needed to prove that conclusively. Therefore, this variant has been classified as Likely Pathogenic. Experimental studies have shown that this missense change affects ABCB11 function (PMID: 28839429). Advanced modeling of protein sequence and biophysical properties (such as structural, functional, and spatial information, amino acid conservation, physicochemical variation, residue mobility, and thermodynamic stability) performed at Invitae indicates that this missense variant is expected to disrupt ABCB11 protein function. This missense change has been observed in individual(s) with progressive familial intrahepatic cholestasis type 2 (PMID: 28733223, 28839429). In at least one individual the data is consistent with being in trans (on the opposite chromosome) from a pathogenic variant. This variant is not present in population databases (gnomAD no frequency). This sequence change replaces glycine, which is neutral and non-polar, with arginine, which is basic and polar, at codon 1032 of the ABCB11 protein (p.Gly1032Arg).

Literature cited by the submitters: PubMed 28839429 (cited by Genomenon, Inc and Labcorp Genetics (formerly Invitae), Labcorp); PubMed 28733223 (cited by Labcorp Genetics (formerly Invitae), Labcorp).

NM_003742.4(ABCB11):c.3094G>C (p.Gly1032Arg)

Gene: ABCB11 (ATP binding cassette subfamily B member 11; minus strand). Cytogenetic location: 2q31.1.
Variant type: single nucleotide variant.
Coding change: c.3094G>C on transcript NM_003742.4 (MANE Select); coding-DNA position 3094, G replaced by C.
Protein change: p.Gly1032Arg; replaces glycine 1032 with arginine.
Molecular consequence: missense variant.
Genome position (GRCh38, 1-based): chr2:168,932,496, C>G on the plus strand (G>C on the coding strand, the complement: ABCB11 is on the minus strand). VCF-style: chr2-168932496-C-G. GRCh37 (hg19) VCF-style: chr2-169789006-C-G.
Other names: NM_003742.4(ABCB11):c.3094G>C; p.Gly1032Arg; short protein forms G1032R.
Identifiers: ClinVar variation 1498315 (VCV001498315.10), dbSNP rs2105891596, ClinGen allele CA349122556.
Genomic context (GRCh38, chr2:168,932,496, plus strand): 5'-AAAAGCGTGCAGCTGATATTTTAGCTTTTGCATAACTTGGGGTGTAAGAGAAGGCTCTTC[C>G]AAGAGCTGTTGCACTCAGTACAACTGCAGAGATCACCCTGTAACCAGACAGACACACAGG-3'
Protein context (NP_003733.2, residues 1022-1042): SAVVLSATAL[Gly1032Arg]RAFSYTPSYA